The following is an entry in ClinVar:

NM_001394755.1(TBKBP1):c.897C>T (p.Thr299=)

Gene: TBKBP1 (TBK1 binding protein 1; plus strand). Cytogenetic location: 17q21.32.
Variant type: single nucleotide variant.
Coding change: c.897C>T on transcript NM_001394755.1 (MANE Select); coding-DNA position 897, C replaced by T.
Protein change: p.Thr299=; no amino-acid change (threonine 299 retained).
Molecular consequence: synonymous variant.
Genome position (GRCh38, 1-based): chr17:47,708,418, C>T. VCF-style: chr17-47708418-C-T. GRCh37 (hg19) VCF-style: chr17-45785784-C-T.
Other names: c.897C>T, p.Thr299= (NM_001394756.1, NM_014726.2).
Identifiers: ClinVar variation 2647877 (VCV002647877.24), dbSNP rs372392812, ClinGen allele CA8626079.

ClinVar aggregate classification (germline): Likely benign (1 of 4 stars; one submission).

Allele frequency attached by ClinVar (database versions not stated): 1000 Genomes Project 0.00020; 1000 Genomes Project 30x 0.00031; ESP Exome Variant Server 0.00032.
gnomAD v4.1: 647 of 1,613,922 alleles (0.04%); highest among the groups gnomAD compares: Non-Finnish European, 0.04%; 1 homozygote.

Submission:

CeGaT Center for Human Genetics Tuebingen
Classification: Likely benign. Last evaluated: 2022-08-01. Review status: criteria provided, single submitter. Criteria: CeGaT Center For Human Genetics Tuebingen Variant Classification Criteria Version 2. Collection method: clinical testing. Allele origin: germline. Affected: yes. Observed: 1 variant allele.
Comment: TBKBP1: BP4, BP7